The following is an entry in ClinVar:

NM_000222.3(KIT):c.2546A>C (p.Glu849Ala)

Gene: KIT (KIT proto-oncogene, receptor tyrosine kinase; plus strand). Cytogenetic location: 4q12.
Variant type: single nucleotide variant.
Coding change: c.2546A>C on transcript NM_000222.3 (MANE Select); coding-DNA position 2546, A replaced by C.
Protein change: p.Glu849Ala; replaces glutamic acid 849 with alanine.
Molecular consequence: missense variant.
Genome position (GRCh38, 1-based): chr4:54,736,559, A>C. VCF-style: chr4-54736559-A-C. GRCh37 (hg19) VCF-style: chr4-55602725-A-C.
Other names: c.2534A>C, p.Glu845Ala (NM_001093772.2, NM_001385292.1); c.2549A>C, p.Glu850Ala (NM_001385284.1); c.2543A>C, p.Glu848Ala (NM_001385285.1); c.2531A>C, p.Glu844Ala (NM_001385286.1); c.2537A>C, p.Glu846Ala (NM_001385288.1); c.2546A>C, p.Glu849Ala (NM_001385290.1); short protein forms E845A, E846A, E848A, E849A, E844A, E850A.
Identifiers: ClinVar variation 1984510 (VCV001984510.5), dbSNP rs763847901, ClinGen allele CA2923790.

ClinVar aggregate classification (germline): Uncertain significance. Review status: criteria provided, multiple submitters, no conflicts (2 of 4 stars). 2 submissions from 2 submitters: Uncertain significance (2). Last evaluated 2024-12-17.

Conditions:
Hereditary cancer-predisposing syndrome. Also called: Tumor predisposition; Hereditary Cancer Syndrome; Hereditary neoplastic syndrome; Neoplastic Syndromes, Hereditary. Identifiers: Orphanet 140162, MedGen C0027672, MeSH D009386, MONDO:0015356.
Gastrointestinal stromal tumor. Also called: Gastrointestinal stroma tumor; Gastrointestinal stromal tumor, somatic. Identifiers: Orphanet 44890, MedGen C0238198, MeSH D046152, MONDO:0011719, OMIM 606764, HP:0100723.

Allele frequency attached by ClinVar (database versions not stated): TOPMed below 0.00001; ExAC 0.00001.
gnomAD v4.1: 2 of 1,614,166 alleles (0.00012%); highest among the groups gnomAD compares: Admixed American, 0.0033%; no homozygotes.

Submissions (2):

Ambry Genetics
Classification: Uncertain significance for Hereditary cancer-predisposing syndrome. Last evaluated: 2024-12-17. Review status: criteria provided, single submitter. Criteria: Ambry Variant Classification Scheme 2023. Collection method: clinical testing. Allele origin: germline.
Comment: The p.E849A variant (also known as c.2546A>C), located in coding exon 18 of the KIT gene, results from an A to C substitution at nucleotide position 2546. The glutamic acid at codon 849 is replaced by alanine, an amino acid with dissimilar properties. This amino acid position is highly conserved in available vertebrate species. In addition, the in silico prediction for this alteration is inconclusive. Based on the available evidence, the clinical significance of this variant remains unclear.

Labcorp Genetics (formerly Invitae), Labcorp
Classification: Uncertain significance for Gastrointestinal stromal tumor. Last evaluated: 2024-12-08. Review status: criteria provided, single submitter. Criteria: Invitae Variant Classification Sherloc (09022015). Collection method: clinical testing. Allele origin: germline.
Comment: This sequence change replaces glutamic acid, which is acidic and polar, with alanine, which is neutral and non-polar, at codon 849 of the KIT protein (p.Glu849Ala). This variant is present in population databases (rs763847901, gnomAD 0.006%). This variant has not been reported in the literature in individuals affected with KIT-related conditions. ClinVar contains an entry for this variant (Variation ID: 1984510). An algorithm developed to predict the effect of missense changes on protein structure and function (PolyPhen-2) suggests that this variant is likely to be disruptive. In summary, the available evidence is currently insufficient to determine the role of this variant in disease. Therefore, it has been classified as a Variant of Uncertain Significance.